The following is an entry in ClinVar:

NM_052989.3(IFT122):c.1273C>T (p.Arg425Trp)

Gene: IFT122 (intraflagellar transport 122; plus strand). Cytogenetic location: 3q21.3.
Variant type: single nucleotide variant.
Coding change: c.1273C>T on transcript NM_052989.3 (MANE Select); coding-DNA position 1273, C replaced by T.
Protein change: p.Arg425Trp; replaces arginine 425 with tryptophan.
Molecular consequence: missense variant.
Genome position (GRCh38, 1-based): chr3:129,478,141, C>T. VCF-style: chr3-129478141-C-T. GRCh37 (hg19) VCF-style: chr3-129196984-C-T.
Other names: c.1249C>T, p.Arg417Trp (NM_001280541.2); c.823C>T, p.Arg275Trp (NM_001280545.2); c.646C>T, p.Arg216Trp (NM_001280546.2); c.1096C>T, p.Arg366Trp (NM_018262.4); c.1426C>T, p.Arg476Trp (NM_052985.4); c.940C>T, p.Arg314Trp (NM_052990.3); short protein forms R476W, R275W, R216W, R366W, R417W, R425W, R314W.
Identifiers: ClinVar variation 288335 (VCV000288335.52), dbSNP rs61744639, ClinGen allele CA2606118.
Genomic context (GRCh38, chr3:129,478,141, plus strand): 5'-CTGCCAGAGAAAATCCTCATCTATGAGTTGTATTCAGAGGACTTATCAGACATGCATTAC[C>T]GGGTAAAGGAGAAGATTATCAAGAAGTTTGAGTGCAACCTCCTGGTGGTGTGTGCCAATC-3'
Protein context (NP_443715.1, residues 415-435): YSEDLSDMHY[Arg425Trp]VKEKIIKKFE

ClinVar aggregate classification (germline): Benign/Likely benign. Review status: criteria provided, multiple submitters, no conflicts (2 of 4 stars). 9 submissions from 9 submitters: Benign (4); Likely benign (3). 2 of the submissions do not count toward it. Last evaluated 2026-01-26.

Conditions:
Connective tissue disorder. Also called: Connective tissue disease. Identifiers: MedGen C0009782, MONDO:0003900.
Cranioectodermal dysplasia 1 (CED1). Also called: LEVIN SYNDROME I. Identifiers: Orphanet 1515, MedGen C0432235, MONDO:0021093, OMIM 218330.

Allele frequency attached by ClinVar (database versions not stated): 1000 Genomes Project 30x 0.00125; 1000 Genomes Project 0.00140; TOPMed 0.00365; ESP Exome Variant Server 0.00438; gnomAD 0.00449 and 0.00451; gnomAD exomes 0.00475 and 0.00517; ExAC 0.00476.
gnomAD v4.1: 7,632 of 1,614,106 alleles (0.47%); highest among the groups gnomAD compares: Non-Finnish European, 0.48%; 45 homozygotes.

Submissions (9):

Labcorp Genetics (formerly Invitae), Labcorp
Classification: Benign for Cranioectodermal dysplasia 1. Last evaluated: 2026-01-26. Review status: criteria provided, single submitter. Criteria: Invitae Variant Classification Sherloc (09022015). Collection method: clinical testing. Allele origin: germline.

CeGaT Center for Human Genetics Tuebingen
Classification: Likely benign. Last evaluated: 2025-09-01. Review status: criteria provided, single submitter. Criteria: CeGaT Center For Human Genetics Tuebingen Variant Classification Criteria Version 2. Collection method: clinical testing. Allele origin: germline. Affected: yes. Observed: 10 variant alleles.
Comment: IFT122: BS2

Genome Diagnostics Laboratory, The Hospital for Sick Children
Classification: Benign for Connective tissue disorder. Last evaluated: 2021-05-14. Review status: criteria provided, single submitter. Criteria: ACMG Guidelines, 2015. Collection method: clinical testing. Allele origin: germline.

GeneDx
Classification: Benign. Last evaluated: 2019-10-10. Review status: criteria provided, single submitter. Criteria: GeneDx Variant Classification Process June 2021. Collection method: clinical testing. Allele origin: germline. Affected: yes.

Center for Pediatric Genomic Medicine, Children's Mercy Hospital and Clinics
Classification: Likely benign. Last evaluated: 2017-09-15. Review status: criteria provided, single submitter. Criteria: ACMG Guidelines, 2015. Collection method: clinical testing. Allele origin: germline.

Genetic Services Laboratory, University of Chicago
Classification: Benign. Last evaluated: 2017-08-08. Review status: criteria provided, single submitter. Criteria: ACMG Guidelines, 2015. Collection method: clinical testing. Allele origin: germline. Affected: no.

Eurofins Ntd Llc (ga)
Classification: Likely benign. Last evaluated: 2016-07-05. Review status: criteria provided, single submitter. Criteria: EGL Classification Definitions 2015. Collection method: clinical testing. Allele origin: germline. Observed: 1 variant allele, 1 heterozygote.

Diagnostic Laboratory, Department of Genetics, University Medical Center Groningen
Classification: Likely benign. Review status: no assertion criteria provided. Collection method: clinical testing. Allele origin: germline. Affected: yes. Study: VKGL Data-share Consensus. Not counted in ClinVar's aggregate classification.

Laboratory of Diagnostic Genome Analysis, Leiden University Medical Center (LUMC)
Classification: Likely benign. Review status: no assertion criteria provided. Collection method: clinical testing. Allele origin: germline. Affected: yes. Study: VKGL Data-share Consensus. Not counted in ClinVar's aggregate classification.